The following is an entry in ClinVar:

NM_000020.3(ACVRL1):c.1378-350C>T

Gene: ACVRL1 (activin A receptor like type 1; plus strand). Cytogenetic location: 12q13.13.
Variant type: single nucleotide variant.
Coding change: c.1378-350C>T on transcript NM_000020.3 (MANE Select); 350 bases into the intron before coding-DNA position 1378, C replaced by T.
Molecular consequence: intron variant.
Genome position (GRCh38, 1-based): chr12:51,920,409, C>T. VCF-style: chr12-51920409-C-T. GRCh37 (hg19) VCF-style: chr12-52314193-C-T.
Other names: c.1378-350C>T (NM_001077401.2, NM_001406487.1); c.1222-350C>T (NM_001406490.1); c.1066-350C>T (NM_001406492.1, NM_001406491.1); c.868-350C>T (NM_001406494.1); c.814-350C>T (NM_001406495.1).
Identifiers: ClinVar variation 4846977 (VCV004846977.1).

ClinVar aggregate classification (germline): Uncertain significance (1 of 4 stars; one submission).

Conditions:
Telangiectasia, hereditary hemorrhagic, type 2 (HHT2). Also called: ACVRL1-Related Hereditary Hemorrhagic Telangiectasia; Telangiectasia, hereditary hemorrhagic, type II. Identifiers: Orphanet 774, MedGen C1838163, MONDO:0010880, OMIM 600376. Disease mechanism: loss of function.

Submission:

Laboratorio de Genetica e Diagnostico Molecular, Hospital Israelita Albert Einstein
Classification: Uncertain significance for Telangiectasia, hereditary hemorrhagic, type 2. Last evaluated: 2025-05-21. Review status: criteria provided, single submitter. Criteria: ACMG Guidelines, 2015. Collection method: clinical testing. Allele origin: germline. Affected: yes.
Comment: ACMG classification criteria: PM2 supporting, BP4 supporting